The following is an entry in ClinVar:

ClinVar aggregate classification (germline): Likely benign. Review status: criteria provided, multiple submitters, no conflicts (2 of 4 stars). 3 submissions from 3 submitters: Likely benign (3). Last evaluated 2025-03-10.

Allele frequency attached by ClinVar (database versions not stated): gnomAD 0.00003; TOPMed 0.00006; ExAC 0.00007; ESP Exome Variant Server 0.00008; gnomAD exomes 0.00008.
gnomAD v4.1: 48 of 1,614,086 alleles (0.003%); highest among the groups gnomAD compares: Admixed American, 0.015%; no homozygotes.

Submissions (3):

Labcorp Genetics (formerly Invitae), Labcorp
Classification: Likely benign. Last evaluated: 2025-03-10. Review status: criteria provided, single submitter. Criteria: Invitae Variant Classification Sherloc (09022015). Collection method: clinical testing. Allele origin: germline.

Blueprint Genetics
Classification: Likely benign. Last evaluated: 2024-09-18. Review status: criteria provided, single submitter. Criteria: ACMG Guidelines, 2015. Collection method: clinical testing. Allele origin: germline.

Laboratory for Molecular Medicine, Mass General Brigham Personalized Medicine
Classification: Likely benign. Last evaluated: 2017-05-09. Review status: criteria provided, single submitter. Criteria: LMM Criteria. Collection method: clinical testing. Allele origin: germline. Observed: 1 variant allele.
Comment: p.Gly451Gly in exon 13 of OTOA: This variant is not expected to have clinical si gnificance because it does not alter an amino acid residue and is not located wi thin the splice consensus sequence. It has been identified in 8/34414 Latino chr omosomes by the Genome Aggregation Database (gnomAD; dbSNP rs374219815).

NM_144672.4(OTOA):c.1353C>T (p.Gly451=)

Gene: OTOA (otoancorin). Cytogenetic location: 16p12.2.
Variant type: single nucleotide variant.
Coding change: c.1353C>T on transcript NM_144672.4 (MANE Select); coding-DNA position 1353, C replaced by T.
Protein change: p.Gly451=; no amino-acid change (glycine 451 retained).
Molecular consequence: synonymous variant.
Genome position (GRCh38, 1-based): chr16:21,715,017, C>T. VCF-style: chr16-21715017-C-T. GRCh37 (hg19) VCF-style: chr16-21726338-C-T.
Other names: c.1116C>T, p.Gly372= (NM_001161683.2); c.381C>T, p.Gly127= (NM_170664.3).
Identifiers: ClinVar variation 504651 (VCV000504651.10), dbSNP rs374219815, ClinGen allele CA7952609.